The following is an entry in ClinVar:

NM_003247.5(THBS2):c.2851A>G (p.Asn951Asp)

Genes: THBS2 (thrombospondin 2; minus strand), THBS2-AS1 (THBS2 antisense RNA 1; plus strand). Cytogenetic location: 6q27.
Variant type: single nucleotide variant.
Coding change: c.2851A>G on transcript NM_003247.5 (MANE Select); coding-DNA position 2851, A replaced by G.
Protein change: p.Asn951Asp; replaces asparagine 951 with aspartic acid.
Molecular consequence: missense variant. On other transcripts: non-coding transcript variant (2).
Genome position (GRCh38, 1-based): chr6:169,223,398, T>C on the plus strand (A>G on the coding strand, the complement: THBS2 is on the minus strand). VCF-style: chr6-169223398-T-C. GRCh37 (hg19) VCF-style: chr6-169623493-T-C.
Other names: c.2620A>G, p.Asn874Asp (NM_001381942.1); c.2677A>G, p.Asn893Asp (NM_001381939.1); short protein forms N874D, N893D, N951D.
Identifiers: ClinVar variation 4881226 (VCV004881226.2).

ClinVar aggregate classification (germline): Uncertain significance (1 of 4 stars; one submission).

Conditions:
Ehlers-Danlos syndrome, classic-like, 3. Identifiers: MedGen C5935631, MONDO:0971044, OMIM 620865.

gnomAD v4.1: 1 of 1,614,138 alleles (0.000062%); highest among the groups gnomAD compares: Admixed American, 0.0017%; no homozygotes.

Submission:

Dasa
Classification: Uncertain significance for Ehlers-Danlos syndrome, classic-like, 3. Last evaluated: 2026-03-09. Review status: criteria provided, single submitter. Criteria: DASA Assertion Criteria. Collection method: clinical testing. Allele origin: germline.
Comment: NM_003247.5(THBS2):c.2851A>G (p.Asn951Asp) is a missense variant that results in the substitution of asparagine with aspartic acid. This variant is rare in population databases. Computational prediction algorithms are consistent with a deleterious effect. The currently available literature and clinical evidence are not sufficient to establish a definitive association between this variant and the reported condition. Therefore, this variant is classified as a variant of uncertain significance.